The following is an entry in ClinVar:

NM_015295.3(SMCHD1):c.4810T>G (p.Leu1604Val)

Gene: SMCHD1 (structural maintenance of chromosomes flexible hinge domain containing 1; plus strand). Cytogenetic location: 18p11.32.
Variant type: single nucleotide variant.
Coding change: c.4810T>G on transcript NM_015295.3 (MANE Select); coding-DNA position 4810, T replaced by G.
Protein change: p.Leu1604Val; replaces leucine 1604 with valine.
Molecular consequence: missense variant.
Genome position (GRCh38, 1-based): chr18:2,769,784, T>G. VCF-style: chr18-2769784-T-G. GRCh37 (hg19) VCF-style: chr18-2769782-T-G.
Other names: short protein forms L1604V.
Identifiers: ClinVar variation 1447520 (VCV001447520.7), dbSNP rs1371894096, ClinGen allele CA401681830.

ClinVar aggregate classification (germline): Uncertain significance (1 of 4 stars; one submission).

Conditions:
Facioscapulohumeral muscular dystrophy 2 (FSHD2). Also called: MUSCULAR DYSTROPHY, FACIOSCAPULOHUMERAL, TYPE 1B; FACIOSCAPULOHUMERAL MUSCULAR DYSTROPHY 2, DIGENIC; FSHD2, DIGENIC. Identifiers: Orphanet 269, MedGen C1834671, MONDO:0008031, OMIM 158901.

Allele frequency attached by ClinVar (database versions not stated): gnomAD exomes below 0.00001; TOPMed below 0.00001.
gnomAD v4.1: 2 of 1,605,206 alleles (0.00012%); highest among the groups gnomAD compares: Non-Finnish European, 0.00017%; no homozygotes.

Submission:

Labcorp Genetics (formerly Invitae), Labcorp
Classification: Uncertain significance for Facioscapulohumeral muscular dystrophy 2. Last evaluated: 2022-08-09. Review status: criteria provided, single submitter. Criteria: Invitae Variant Classification Sherloc (09022015). Collection method: clinical testing. Allele origin: germline.
Comment: In summary, the available evidence is currently insufficient to determine the role of this variant in disease. Therefore, it has been classified as a Variant of Uncertain Significance. Algorithms developed to predict the effect of missense changes on protein structure and function are either unavailable or do not agree on the potential impact of this missense change (SIFT: "Deleterious"; PolyPhen-2: "Benign"; Align-GVGD: "Class C15"). ClinVar contains an entry for this variant (Variation ID: 1447520). This variant has not been reported in the literature in individuals affected with SMCHD1-related conditions. This variant is present in population databases (no rsID available, gnomAD 0.001%). This sequence change replaces leucine, which is neutral and non-polar, with valine, which is neutral and non-polar, at codon 1604 of the SMCHD1 protein (p.Leu1604Val).